The following is an entry in ClinVar:

NM_001371986.1(UNC80):c.6316C>T (p.His2106Tyr)

Gene: UNC80 (unc-80 subunit of NALCN channel complex; plus strand). Cytogenetic location: 2q34.
Variant type: single nucleotide variant.
Coding change: c.6316C>T on transcript NM_001371986.1 (MANE Select); coding-DNA position 6316, C replaced by T.
Protein change: p.His2106Tyr; replaces histidine 2106 with tyrosine.
Molecular consequence: missense variant.
Genome position (GRCh38, 1-based): chr2:209,936,886, C>T. VCF-style: chr2-209936886-C-T. GRCh37 (hg19) VCF-style: chr2-210801610-C-T.
Other names: c.6118C>T, p.His2040Tyr (NM_032504.2); c.6103C>T, p.His2035Tyr (NM_182587.4); short protein forms H2035Y, H2040Y, H2106Y.
Identifiers: ClinVar variation 2003235 (VCV002003235.4), dbSNP rs2091283322, ClinGen allele CA350770820.
Genomic context (GRCh38, chr2:209,936,886, plus strand): 5'-TTGTTGCTATTGTTCTAGGAGTGTCTGGAGTTTTTTAATATCCCAGAATCCCAGTCAACA[C>T]ATTATTTTCTTATGGATAAACGATGGAACCTTATCCACTACAATAAGGTGAGACACCAGT-3'
Protein context (NP_001358915.1, residues 2096-2116): FFNIPESQST[His2106Tyr]YFLMDKRWNL

ClinVar aggregate classification (germline): Uncertain significance (1 of 4 stars; one submission).

Allele frequency attached by ClinVar (database versions not stated): gnomAD exomes below 0.00001.
gnomAD v4.1: 1 of 1,550,998 alleles (0.000064%); highest among the groups gnomAD compares: East Asian, 0.0024%; no homozygotes.

Submission:

Labcorp Genetics (formerly Invitae), Labcorp
Classification: Uncertain significance. Last evaluated: 2022-06-08. Review status: criteria provided, single submitter. Criteria: Invitae Variant Classification Sherloc (09022015). Collection method: clinical testing. Allele origin: germline.
Comment: This sequence change replaces histidine, which is basic and polar, with tyrosine, which is neutral and polar, at codon 2040 of the UNC80 protein (p.His2040Tyr). In summary, the available evidence is currently insufficient to determine the role of this variant in disease. Therefore, it has been classified as a Variant of Uncertain Significance. Algorithms developed to predict the effect of missense changes on protein structure and function are either unavailable or do not agree on the potential impact of this missense change (SIFT: "Not Available"; PolyPhen-2: "Benign"; Align-GVGD: "Not Available"). This variant has not been reported in the literature in individuals affected with UNC80-related conditions. This variant is not present in population databases (gnomAD no frequency).